The following is an entry in ClinVar:

ClinVar aggregate classification (germline): Benign (1 of 4 stars; one submission).

Allele frequency attached by ClinVar (database versions not stated): gnomAD 0.02109 and 0.02272; 1000 Genomes Project 0.02636; TOPMed 0.02348; 1000 Genomes Project 30x 0.02998.

Submission:

GeneDx
Classification: Benign. Last evaluated: 2018-06-19. Review status: criteria provided, single submitter. Criteria: GeneDx Variant Classification (06012015). Collection method: clinical testing. Allele origin: germline. Affected: yes.
Comment: This variant is considered likely benign or benign based on one or more of the following criteria: it is a conservative change, it occurs at a poorly conserved position in the protein, it is predicted to be benign by multiple in silico algorithms, and/or has population frequency not consistent with disease.

NM_017946.3(FKBP14):c.-508T>C

Genes: FKBP14 (FKBP prolyl isomerase 14; minus strand), FKBP14-AS1 (FKBP14 antisense RNA 1; plus strand), LOC129998170 (ATAC-STARR-seq lymphoblastoid active region 25803; plus strand). Cytogenetic location: 7p14.3.
Variant type: single nucleotide variant.
Coding change: c.-508T>C on transcript NM_017946.3; 508 bases upstream of the start codon, T replaced by C.
Molecular consequence: non-coding transcript variant (on NR_187577.1).
Genome position (GRCh38, 1-based): chr7:30,027,016, A>G on the plus strand (T>C on the coding strand, the complement: FKBP14 is on the minus strand). VCF-style: chr7-30027016-A-G. GRCh37 (hg19) VCF-style: chr7-30066632-A-G.
Identifiers: ClinVar variation 674083 (VCV000674083.3), dbSNP rs77872461, ClinGen allele CA156005852.